The following is an entry in ClinVar:

ClinVar aggregate classification (germline): Uncertain significance (1 of 4 stars; one submission).

Submission:

Labcorp Genetics (formerly Invitae), Labcorp
Classification: Uncertain significance. Last evaluated: 2022-08-22. Review status: criteria provided, single submitter. Criteria: Invitae Variant Classification Sherloc (09022015). Collection method: clinical testing. Allele origin: germline.
Comment: This sequence change replaces valine, which is neutral and non-polar, with isoleucine, which is neutral and non-polar, at codon 306 of the CDT1 protein (p.Val306Ile). Information on the frequency of this variant in the gnomAD database is not available, as this variant may be reported differently in the database. This variant has not been reported in the literature in individuals affected with CDT1-related conditions. ClinVar contains an entry for this variant (Variation ID: 1442687). Experimental studies and prediction algorithms are not available or were not evaluated, and the functional significance of this variant is currently unknown. In summary, the available evidence is currently insufficient to determine the role of this variant in disease. Therefore, it has been classified as a Variant of Uncertain Significance.

NM_030928.4(CDT1):c.915_916inv (p.Val306Ile)

Gene: CDT1 (chromatin licensing and DNA replication factor 1; plus strand). Cytogenetic location: 16q24.3.
Variant type: Inversion.
Coding change: c.915_916inv on transcript NM_030928.4 (MANE Select).
Protein change: p.Val306Ile; replaces valine 306 with isoleucine.
Molecular consequence: missense variant.
Genome position: GRCh38 VCF-style: chr16-88806103-TG-CA. GRCh37 (hg19) VCF-style: chr16-88872511-TG-CA.
Other names: short protein forms V306I.
Identifiers: ClinVar variation 1442687 (VCV001442687.3), ClinGen allele CA2573152848.
Genomic context (GRCh38, chr16:88,806,103, plus strand): 5'-GCTCACGGCCTCGCGCCTCCTGCAGCGACGGCAGATCTTCAGCCAGAAGCTGGTGGAGCA[TG>CA]TCAAGGAGCACCACAAGGTGAGCGGCCCCCGGCCCCGCTGTGTGAAGATGGTGGCACCAG-3'
Protein context (NP_112190.2, residues 296-316): QIFSQKLVEH[Val306Ile]KEHHKAFLAS